The following is an entry in ClinVar:

ClinVar aggregate classification (germline): Likely pathogenic (1 of 4 stars; one submission).

Conditions:
Intellectual disability, X-linked 102 (MRXSSB). Also called: Intellectual developmental disorder, X-linked syndromic, Snijders Blok type. Identifiers: Orphanet 457260, MedGen C5393299, MONDO:0010497, OMIM 300958.

Submission:

Laboratorio de Genetica e Diagnostico Molecular, Hospital Israelita Albert Einstein
Classification: Likely pathogenic for Intellectual disability, X-linked 102. Last evaluated: 2024-10-06. Review status: criteria provided, single submitter. Criteria: ACMG Guidelines, 2015. Collection method: clinical testing. Allele origin: germline. Affected: yes.
Comment: ACMG classification criteria: PVS1 very strong, PM2 supporting

NM_001356.5(DDX3X):c.1041del (p.Asp347fs)

Gene: DDX3X (DEAD-box helicase 3 X-linked; plus strand). Cytogenetic location: Xp11.4.
Variant type: Deletion.
Coding change: c.1041del on transcript NM_001356.5 (MANE Select); coding-DNA position 1041, one base deleted (T; older notation c.1041delT).
Protein change: p.Asp347fs; shifts the reading frame from aspartic acid 347.
Molecular consequence: frameshift variant. On other transcripts: non-coding transcript variant (1).
Genome position (GRCh38, 1-based): chrX:41,345,195, T deleted. VCF-style (leftmost placement, unchanged base first): chrX-41345194-AT-A. GRCh37 (hg19) VCF-style: chrX-41204447-AT-A.
Other names: c.1041del, p.Asp347fs (NM_001193416.3); c.993del, p.Asp331fs (NM_001193417.3); c.483del, p.Asp161fs (NM_001363819.1); short protein forms D161fs, D331fs, D347fs.
Identifiers: ClinVar variation 3901941 (VCV003901941.1).
Genomic context (GRCh38, chrX:41,345,194, plus strand): 5'-TCCTCAAATTCTAAACTCAGGCTTGTTTTTTTTCATGACATGACAGATACTTGGTGTTAG[AT>A]GAAGCTGATCGGATGTTGGATATGGGGTTTGAGCCTCAGATTCGTAGAATAGTCGAACAA-3'